The following is an entry in ClinVar:

ClinVar aggregate classification (germline): Likely pathogenic (1 of 4 stars; one submission).

Conditions:
Autosomal dominant optic atrophy classic form (OPA1). Also called: KJER-TYPE OPTIC ATROPHY; Optic Atrophy Type 1; OPTIC ATROPHY, JUVENILE. Identifiers: Orphanet 98673, MedGen C0338508, MONDO:0008134, OMIM 165500.

Submission:

MGZ Medical Genetics Center
Classification: Likely pathogenic for Autosomal dominant optic atrophy classic form. Last evaluated: 2021-10-07. Review status: criteria provided, single submitter. Criteria: ACMG Guidelines, 2015. Collection method: clinical testing. Allele origin: germline. Affected: yes. Observed: 1 variant allele.
Comment: ACMG criteria applied: PVS1, PM2_SUP

NM_130837.3(OPA1):c.114_115insG (p.Ser39fs)

Gene: OPA1 (OPA1 mitochondrial dynamin like GTPase; plus strand). Cytogenetic location: 3q29.
Variant type: Insertion.
Coding change: c.114_115insG on transcript NM_130837.3 (MANE Select); coding-DNA positions 114 to 115, G inserted.
Protein change: p.Ser39fs; shifts the reading frame from serine 39.
Molecular consequence: frameshift variant. On other transcripts: 5 prime UTR variant (2).
Genome position: GRCh38 VCF-style: chr3-193614804-A-AG. GRCh37 (hg19) VCF-style: chr3-193332593-A-AG.
Other names: c.-259_-258insG (NM_001354663.2, NM_001354664.2); c.114_115insG, p.Ser39fs (NM_015560.3, NM_130831.3, NM_130832.3 and 4 more transcripts); short protein forms S39fs.
Identifiers: ClinVar variation 1709813 (VCV001709813.2), dbSNP rs2474575339, ClinGen allele CA2580070547.